The following is an entry in ClinVar:

NM_144670.6(A2ML1):c.791C>T (p.Thr264Ile)

Gene: A2ML1 (alpha-2-macroglobulin like 1; plus strand). Cytogenetic location: 12p13.31.
Variant type: single nucleotide variant.
Coding change: c.791C>T on transcript NM_144670.6 (MANE Select); coding-DNA position 791, C replaced by T.
Protein change: p.Thr264Ile; replaces threonine 264 with isoleucine.
Molecular consequence: missense variant.
Genome position (GRCh38, 1-based): chr12:8,837,502, C>T. VCF-style: chr12-8837502-C-T. GRCh37 (hg19) VCF-style: chr12-8990098-C-T.
Other names: c.791C>T (NM_144670.3); short protein forms T264I.
Identifiers: ClinVar variation 655068 (VCV000655068.9), dbSNP rs954197919, ClinGen allele CA232671654.

ClinVar aggregate classification (germline): Uncertain significance. Review status: criteria provided, multiple submitters, no conflicts (2 of 4 stars). 2 submissions from 2 submitters: Uncertain significance (2). Last evaluated 2026-05-23.

Allele frequency attached by ClinVar (database versions not stated): gnomAD 0.00001; gnomAD exomes below 0.00001.
gnomAD v4.1: 3 of 1,613,996 alleles (0.00019%); highest among the groups gnomAD compares: Admixed American, 0.0017%; no homozygotes.

Submissions (2):

Ambry Genetics
Classification: Uncertain significance. Last evaluated: 2026-05-23. Review status: criteria provided, single submitter. Criteria: Ambry Variant Classification Scheme 2023. Collection method: clinical testing. Allele origin: germline.
Comment: The p.T264I variant (also known as c.791C>T), located in coding exon 8 of the A2ML1 gene, results from a C to T substitution at nucleotide position 791. The threonine at codon 264 is replaced by isoleucine, an amino acid with similar properties. This amino acid position is conserved. In addition, this alteration is predicted to be tolerated by in silico analysis. Based on the available evidence, the clinical significance of this variant remains unclear.

Labcorp Genetics (formerly Invitae), Labcorp
Classification: Uncertain significance. Last evaluated: 2025-12-22. Review status: criteria provided, single submitter. Criteria: Invitae Variant Classification Sherloc (09022015). Collection method: clinical testing. Allele origin: germline.
Comment: This sequence change replaces threonine, which is neutral and polar, with isoleucine, which is neutral and non-polar, at codon 264 of the A2ML1 protein (p.Thr264Ile). This variant is present in population databases (no rsID available, gnomAD 0.0009%). This variant has not been reported in the literature in individuals affected with A2ML1-related conditions. ClinVar contains an entry for this variant (Variation ID: 655068). An algorithm developed to predict the effect of missense changes on protein structure and function outputs the following: PolyPhen-2: "Benign". The isoleucine amino acid residue is found in multiple mammalian species, which suggests that this missense change does not adversely affect protein function. In summary, the available evidence is currently insufficient to determine the role of this variant in disease. Therefore, it has been classified as a Variant of Uncertain Significance.